The following is an entry in ClinVar:

NM_005529.7(HSPG2):c.8487C>G (p.Ile2829Met)

Gene: HSPG2 (heparan sulfate proteoglycan 2; minus strand). Cytogenetic location: 1p36.12.
Variant type: single nucleotide variant.
Coding change: c.8487C>G on transcript NM_005529.7 (MANE Select); coding-DNA position 8487, C replaced by G.
Protein change: p.Ile2829Met; replaces isoleucine 2829 with methionine.
Molecular consequence: missense variant.
Genome position (GRCh38, 1-based): chr1:21,844,277, G>C on the plus strand (C>G on the coding strand, the complement: HSPG2 is on the minus strand). VCF-style: chr1-21844277-G-C. GRCh37 (hg19) VCF-style: chr1-22170770-G-C.
Other names: c.8490C>G, p.Ile2830Met (NM_001291860.2); short protein forms I2830M, I2829M.
Identifiers: ClinVar variation 1435215 (VCV001435215.3), dbSNP rs780503374, ClinGen allele CA670761.

ClinVar aggregate classification (germline): Uncertain significance. Review status: criteria provided, multiple submitters, no conflicts (2 of 4 stars). 3 submissions from 3 submitters: Uncertain significance (3). Last evaluated 2021-08-27.

Allele frequency attached by ClinVar (database versions not stated): gnomAD 0.00001 and 0.00003; gnomAD exomes 0.00001 and 0.00002; TOPMed 0.00002; ExAC 0.00003.
gnomAD v4.1: 26 of 1,613,402 alleles (0.0016%); highest among the groups gnomAD compares: Middle Eastern, 0.066%; no homozygotes.

Submissions (3):

Labcorp Genetics (formerly Invitae), Labcorp
Classification: Uncertain significance. Last evaluated: 2021-08-27. Review status: criteria provided, single submitter. Criteria: Invitae Variant Classification Sherloc (09022015). Collection method: clinical testing. Allele origin: germline.
Comment: This sequence change replaces isoleucine with methionine at codon 2829 of the HSPG2 protein (p.Ile2829Met). The isoleucine residue is moderately conserved and there is a small physicochemical difference between isoleucine and methionine. This variant is present in population databases (rs780503374, ExAC 0.005%). This variant has not been reported in the literature in individuals affected with HSPG2-related conditions. Algorithms developed to predict the effect of missense changes on protein structure and function are either unavailable or do not agree on the potential impact of this missense change (SIFT: "Deleterious"; PolyPhen-2: "Probably Damaging"; Align-GVGD: "Class C0"). In summary, the available evidence is currently insufficient to determine the role of this variant in disease. Therefore, it has been classified as a Variant of Uncertain Significance.

Blueprint Genetics
Classification: Uncertain significance. Last evaluated: 2021-08-25. Review status: criteria provided, single submitter. Criteria: ACMG Guidelines, 2015. Collection method: clinical testing. Allele origin: germline.

Breakthrough Genomics
Classification: Uncertain significance. Review status: criteria provided, single submitter. Criteria: ACMG Guidelines, 2015. Collection method: not provided. Allele origin: germline. Inheritance: Autosomal recessive inheritance. Affected: yes.